The following is an entry in ClinVar:

NM_022455.5(NSD1):c.2944G>T (p.Gly982Trp)

Gene: NSD1 (nuclear receptor binding SET domain protein 1; plus strand). Cytogenetic location: 5q35.3.
Variant type: single nucleotide variant.
Coding change: c.2944G>T on transcript NM_022455.5 (MANE Select); coding-DNA position 2944, G replaced by T.
Protein change: p.Gly982Trp; replaces glycine 982 with tryptophan.
Molecular consequence: missense variant.
Genome position (GRCh38, 1-based): chr5:177,211,343, G>T. VCF-style: chr5-177211343-G-T. GRCh37 (hg19) VCF-style: chr5-176638344-G-T.
Other names: c.2071G>T, p.Gly691Trp (NM_001365684.2, NM_001409306.1, NM_001409307.1 and 3 more transcripts); c.2944G>T, p.Gly982Trp (NM_001409301.1, NM_001409302.1, NM_001409303.1); c.2524G>T, p.Gly842Trp (NM_001409304.1); c.2191G>T, p.Gly731Trp (NM_001409305.1); short protein forms G713W, G982W, G691W, G842W, G731W.
Identifiers: ClinVar variation 983010 (VCV000983010.7), dbSNP rs587784091, ClinGen allele CA362321222.

ClinVar aggregate classification (germline): Uncertain significance. Review status: criteria provided, multiple submitters, no conflicts (2 of 4 stars). 3 submissions from 3 submitters: Uncertain significance (3). Last evaluated 2026-06-23.

Conditions:
Sotos syndrome (SOTOS). Also called: CEREBRAL GIGANTISM; Sotos' syndrome; CHROMOSOME 5q35 DELETION SYNDROME; Distinctive facial appearance, overgrowth in childhood, and learning disabilities or delayed development; SOTOS SYNDROME 1. Identifiers: Orphanet 821, MedGen C0175695, MONDO:0019349, OMIM 117550.
Inborn genetic diseases. Identifiers: MedGen C0950123, MeSH D030342.

gnomAD v4.1: 2 of 1,614,134 alleles (0.00012%); highest among the groups gnomAD compares: Non-Finnish European, 0.000085%; no homozygotes.

Submissions (3):

Ambry Genetics
Classification: Uncertain significance for Inborn genetic diseases. Last evaluated: 2026-06-23. Review status: criteria provided, single submitter. Criteria: Ambry Variant Classification Scheme 2023. Collection method: clinical testing. Allele origin: germline.

Labcorp Genetics (formerly Invitae), Labcorp
Classification: Uncertain significance. Last evaluated: 2022-10-17. Review status: criteria provided, single submitter. Criteria: Invitae Variant Classification Sherloc (09022015). Collection method: clinical testing. Allele origin: germline.
Comment: This sequence change replaces glycine, which is neutral and non-polar, with tryptophan, which is neutral and slightly polar, at codon 982 of the NSD1 protein (p.Gly982Trp). This variant is not present in population databases (gnomAD no frequency). This variant has not been reported in the literature in individuals affected with NSD1-related conditions. ClinVar contains an entry for this variant (Variation ID: 983010). Advanced modeling of protein sequence and biophysical properties (such as structural, functional, and spatial information, amino acid conservation, physicochemical variation, residue mobility, and thermodynamic stability) performed at Invitae indicates that this missense variant is not expected to disrupt NSD1 protein function. In summary, the available evidence is currently insufficient to determine the role of this variant in disease. Therefore, it has been classified as a Variant of Uncertain Significance.

Institute of Human Genetics, University of Leipzig Medical Center
Classification: Uncertain significance for Sotos syndrome. Last evaluated: 2019-01-01. Review status: criteria provided, single submitter. Criteria: ACMG Guidelines, 2015. Collection method: clinical testing. Allele origin: unknown. Affected: no.